The following is an entry in ClinVar:

ClinVar aggregate classification (germline): Uncertain significance (1 of 4 stars; one submission).

Conditions:
Bardet-Biedl syndrome (BBS). Identifiers: Orphanet 110, MedGen C0752166, MONDO:0015229.

Allele frequency attached by ClinVar (database versions not stated): gnomAD exomes below 0.00001.
gnomAD v4.1: 1 of 1,614,082 alleles (0.000062%); highest among the groups gnomAD compares: Admixed American, 0.0017%; no homozygotes.

Submission:

Labcorp Genetics (formerly Invitae), Labcorp
Classification: Uncertain significance for Bardet-Biedl syndrome. Last evaluated: 2022-01-27. Review status: criteria provided, single submitter. Criteria: Invitae Variant Classification Sherloc (09022015). Collection method: clinical testing. Allele origin: germline.
Comment: In summary, the available evidence is currently insufficient to determine the role of this variant in disease. Therefore, it has been classified as a Variant of Uncertain Significance. Algorithms developed to predict the effect of missense changes on protein structure and function (SIFT, PolyPhen-2, Align-GVGD) all suggest that this variant is likely to be tolerated. This variant has not been reported in the literature in individuals affected with TTC8-related conditions. This variant is not present in population databases (gnomAD no frequency). This sequence change replaces glycine, which is neutral and non-polar, with aspartic acid, which is acidic and polar, at codon 123 of the TTC8 protein (p.Gly123Asp).

NM_144596.4(TTC8):c.398G>A (p.Gly133Asp)

Gene: TTC8 (tetratricopeptide repeat domain 8; plus strand). Cytogenetic location: 14q31.3.
Variant type: single nucleotide variant.
Coding change: c.398G>A on transcript NM_144596.4 (MANE Select); coding-DNA position 398, G replaced by A.
Protein change: p.Gly133Asp; replaces glycine 133 with aspartic acid.
Molecular consequence: missense variant. On other transcripts: 5 prime UTR variant (2), non-coding transcript variant (1).
Genome position (GRCh38, 1-based): chr14:88,841,105, G>A. VCF-style: chr14-88841105-G-A. GRCh37 (hg19) VCF-style: chr14-89307449-G-A.
Other names: c.368G>A, p.Gly123Asp (NM_001288781.1, NM_001366535.2, NM_001366536.2 and 2 more transcripts); c.-195G>A (NM_001288782.1); c.-290G>A (NM_001288783.1); short protein forms G123D, G133D.
Identifiers: ClinVar variation 2414078 (VCV002414078.6), dbSNP rs2546169168, ClinGen allele CA390574434.
Genomic context (GRCh38, chr14:88,841,105, plus strand): 5'-CACAAGCTGGAAGACCCATTACAGGTTTCCTCAGGCCCAGCACGCAGAGTGGAAGGCCAG[G>A]CACTATGGAACAGGCTATCAGAACACCCAGAACCGCCTACACAGCCCGCCCTATCACCAG-3'
Protein context (NP_653197.2, residues 123-143): LRPSTQSGRP[Gly133Asp]TMEQAIRTPR